The following is an entry in ClinVar:

ClinVar aggregate classification (germline): Uncertain significance. Review status: criteria provided, multiple submitters, no conflicts (2 of 4 stars). 2 submissions from 2 submitters: Uncertain significance (2). Last evaluated 2025-10-29.

Conditions:
ERBIN-related disorder. Also called: ERBIN-related condition.

Allele frequency attached by ClinVar (database versions not stated): gnomAD 0.00001; TOPMed 0.00001; gnomAD exomes 0.00007.
gnomAD v4.1: 102 of 1,608,656 alleles (0.0063%); highest among the groups gnomAD compares: Non-Finnish European, 0.0085%; no homozygotes.

Submissions (2):

Labcorp Genetics (formerly Invitae), Labcorp
Classification: Uncertain significance. Last evaluated: 2025-10-29. Review status: criteria provided, single submitter. Criteria: Invitae Variant Classification Sherloc (09022015). Collection method: clinical testing. Allele origin: germline.
Comment: This sequence change replaces asparagine, which is neutral and polar, with aspartic acid, which is acidic and polar, at codon 90 of the ERBIN protein (p.Asn90Asp). The frequency data for this variant in the population databases is considered unreliable, as metrics indicate poor data quality at this position in the gnomAD database. This variant has not been reported in the literature in individuals affected with ERBIN-related conditions. ClinVar contains an entry for this variant (Variation ID: 2726158). An algorithm developed to predict the effect of missense changes on protein structure and function (PolyPhen-2) suggests that this variant is likely to be disruptive. In summary, the available evidence is currently insufficient to determine the role of this variant in disease. Therefore, it has been classified as a Variant of Uncertain Significance.

PreventionGenetics, part of Exact Sciences
Classification: Uncertain significance for ERBIN-related condition. Last evaluated: 2025-10-16. Review status: criteria provided, single submitter. Criteria: ACMG Guidelines, 2015. Collection method: clinical testing. Allele origin: germline.
Comment: The ERBIN c.268A>G variant is predicted to result in the amino acid substitution p.Asn90Asp. To our knowledge, this variant has not been reported in the literature. This variant is reported in 0.00089% of alleles in individuals of European (Non-Finnish) descent in gnomAD. At this time, the clinical significance of this variant is uncertain due to the absence of conclusive functional and genetic evidence.

NM_001253697.2(ERBIN):c.268A>G (p.Asn90Asp)

Gene: ERBIN (erbb2 interacting protein; plus strand). Cytogenetic location: 5q12.3.
Variant type: single nucleotide variant.
Coding change: c.268A>G on transcript NM_001253697.2 (MANE Select); coding-DNA position 268, A replaced by G.
Protein change: p.Asn90Asp; replaces asparagine 90 with aspartic acid.
Molecular consequence: missense variant.
Genome position (GRCh38, 1-based): chr5:65,994,825, A>G. VCF-style: chr5-65994825-A-G. GRCh37 (hg19) VCF-style: chr5-65290653-A-G.
Other names: c.268A>G (NM_001006600.2); c.268A>G, p.Asn90Asp (NM_001006600.3, NM_001253698.2, NM_001253699.2 and 2 more transcripts); short protein forms N90D.
Identifiers: ClinVar variation 2726158 (VCV002726158.4), dbSNP rs1209780443, ClinGen allele CA359972276.
Genomic context (GRCh38, chr5:65,994,825, plus strand): 5'-TCTTTACACAAACTGAGTTTGCCAGACAATGATTTAACAACGTTACCAGCATCCATTGCA[A>G]ACCTTATTAATCTCAGGGAACTGGATGTCAGCAAGAATGGTAAGGCTTTTTTTGCCCATA-3'
Protein context (NP_001240626.1, residues 80-100): DLTTLPASIA[Asn90Asp]LINLRELDVS